The following is an entry in ClinVar:

NM_000268.4(NF2):c.433_434del (p.Ala145fs)

Gene: NF2 (NF2, moesin-ezrin-radixin like (MERLIN) tumor suppressor; plus strand). Cytogenetic location: 22q12.2.
Variant type: Deletion.
Coding change: c.433_434del on transcript NM_000268.4 (MANE Select); coding-DNA positions 433 to 434, 2 bases deleted (GC; older notation c.433_434delGC).
Protein change: p.Ala145fs; shifts the reading frame from alanine 145.
Molecular consequence: frameshift variant. On other transcripts: non-coding transcript variant (1).
Genome position (GRCh38, 1-based): chr22:29,642,271-29,642,272, GC deleted; deleting any 2 consecutive bases within chr22:29,642,270-29,642,272 gives the same sequence; the c. name uses the placement nearest the transcript's 3' end. VCF-style (leftmost placement, unchanged base first): chr22-29642269-ACG-A. GRCh37 (hg19) VCF-style: chr22-30038258-ACG-A.
Other names: c.319_320delGC, p.Ala107Argfs (NM_001407053.1, NM_001407056.1); c.310_311delGC, p.Ala104Argfs (NM_001407054.1, NM_001407058.1, NM_001407062.1); c.307_308delGC, p.Ala103Argfs (NM_001407055.1); c.433_434delGC, p.Ala145Argfs (NM_001407057.1, NM_001407059.1, NM_001407060.1 and 1 more transcripts); c.184_185delGC, p.Ala62Argfs (NM_001407063.1, NM_001407064.1); c.-208_-207delGC (NM_001407065.1); c.202_203delGC, p.Ala68Argfs (NM_001407067.1); c.433_434del, p.Ala145fs (NM_016418.5, NM_181825.3, NM_181832.3 and 1 more transcripts); and 3 more; short protein forms A104fs, A103fs, A145fs, A62fs.
Identifiers: ClinVar variation 2030584 (VCV002030584.4), dbSNP rs2518465594, ClinGen allele CA2580099538.
Genomic context (GRCh38, chr22:29,642,269, plus strand): 5'-AGCAGATTTTAGATGAAAAGATCTACTGCCCTCCTGAGGCTTCTGTGCTCCTGGCTTCTT[ACG>A]CCGTCCAGGCCAAGGTAGGCTCAAAGAAGAAAAATGTATTTTTCCTGGGCGTTAATTTGG-3'

ClinVar aggregate classification (germline): Pathogenic (1 of 4 stars; one submission).

Conditions:
Neurofibromatosis, type 2 (SWNV). Also called: NF2-Related Schwannomatosis; BILATERAL ACOUSTIC NEUROFIBROMATOSIS; SCHWANNOMATOSIS, VESTIBULAR. Identifiers: Orphanet 637, MedGen C0027832, MONDO:0007039, OMIM 101000. Disease mechanism: loss of function.

Submission:

Labcorp Genetics (formerly Invitae), Labcorp
Classification: Pathogenic for Neurofibromatosis, type 2. Last evaluated: 2022-09-15. Review status: criteria provided, single submitter. Criteria: Invitae Variant Classification Sherloc (09022015). Collection method: clinical testing. Allele origin: germline.
Comment: This sequence change creates a premature translational stop signal (p.Ala145Argfs*7) in the NF2 gene. It is expected to result in an absent or disrupted protein product. Loss-of-function variants in NF2 are known to be pathogenic (PMID: 9643284, 16983642). This variant is not present in population databases (gnomAD no frequency). This variant has not been reported in the literature in individuals affected with NF2-related conditions. For these reasons, this variant has been classified as Pathogenic.

Literature cited by the submitters: PubMed 9643284; PubMed 16983642.